The following is an entry in ClinVar:

NM_001291303.3(FAT4):c.3192C>T (p.Asp1064=)

Gene: FAT4 (FAT atypical cadherin 4; plus strand). Cytogenetic location: 4q28.1.
Variant type: single nucleotide variant.
Coding change: c.3192C>T on transcript NM_001291303.3 (MANE Select); coding-DNA position 3192, C replaced by T.
Protein change: p.Asp1064=; no amino-acid change (aspartic acid 1064 retained).
Molecular consequence: synonymous variant.
Genome position (GRCh38, 1-based): chr4:125,319,603, C>T. VCF-style: chr4-125319603-C-T. GRCh37 (hg19) VCF-style: chr4-126240758-C-T.
Other names: c.3192C>T, p.Asp1064= (NM_001291285.3, NM_024582.6).
Identifiers: ClinVar variation 708812 (VCV000708812.35), dbSNP rs140899478, ClinGen allele CA3072273.

ClinVar aggregate classification (germline): Benign/Likely benign. Review status: criteria provided, multiple submitters, no conflicts (2 of 4 stars). 5 submissions from 5 submitters: Benign (1); Likely benign (4). Last evaluated 2026-03-10.

Allele frequency attached by ClinVar (database versions not stated): gnomAD exomes 0.00029; ExAC 0.00041; 1000 Genomes Project 30x 0.00109; ESP Exome Variant Server 0.00117; 1000 Genomes Project 0.00120; gnomAD 0.00127 and 0.00132; TOPMed 0.00143.
gnomAD v4.1: 398 of 1,613,854 alleles (0.025%); highest among the groups gnomAD compares: African/African-American, 0.46%; 1 homozygote.

Submissions (5):

Women's Health and Genetics/Laboratory Corporation of America, LabCorp
Classification: Likely benign. Last evaluated: 2026-03-10. Review status: criteria provided, single submitter. Criteria: LabCorp Variant Classification Summary - May 2015. Collection method: clinical testing. Allele origin: germline.

Labcorp Genetics (formerly Invitae), Labcorp
Classification: Benign. Last evaluated: 2026-01-18. Review status: criteria provided, single submitter. Criteria: Invitae Variant Classification Sherloc (09022015). Collection method: clinical testing. Allele origin: germline.

Blueprint Genetics
Classification: Likely benign. Last evaluated: 2024-10-28. Review status: criteria provided, single submitter. Criteria: ACMG Guidelines, 2015. Collection method: clinical testing. Allele origin: germline.

CeGaT Center for Human Genetics Tuebingen
Classification: Likely benign. Last evaluated: 2023-09-01. Review status: criteria provided, single submitter. Criteria: CeGaT Center For Human Genetics Tuebingen Variant Classification Criteria Version 2. Collection method: clinical testing. Allele origin: germline. Affected: yes. Observed: 1 variant allele.
Comment: FAT4: BP4, BP7

GeneDx
Classification: Likely benign. Last evaluated: 2019-10-30. Review status: criteria provided, single submitter. Criteria: GeneDx Variant Classification Process June 2021. Collection method: clinical testing. Allele origin: germline. Affected: yes.